The following is an entry in ClinVar:

NM_015122.3(FCHO1):c.2446C>T (p.Leu816Phe)

Gene: FCHO1 (FCH and mu domain containing endocytic adaptor 1; plus strand). Cytogenetic location: 19p13.11.
Variant type: single nucleotide variant.
Coding change: c.2446C>T on transcript NM_015122.3 (MANE Select); coding-DNA position 2446, C replaced by T.
Protein change: p.Leu816Phe; replaces leucine 816 with phenylalanine.
Molecular consequence: missense variant. On other transcripts: non-coding transcript variant (36).
Genome position (GRCh38, 1-based): chr19:17,786,593, C>T. VCF-style: chr19-17786593-C-T. GRCh37 (hg19) VCF-style: chr19-17897402-C-T.
Other names: c.2329C>T, p.Leu777Phe (NM_001384393.1, NM_001384394.1, NM_001384395.1 and 1 more transcripts); c.2170C>T, p.Leu724Phe (NM_001384396.1, NM_001384397.1, NM_001384398.1 and 4 more transcripts); c.2446C>T, p.Leu816Phe (NM_001161357.2, NM_001161358.2, NM_001384370.1 and 11 more transcripts); c.2296C>T, p.Leu766Phe (NM_001161359.2, NM_001384384.1, NM_001384385.1 and 1 more transcripts); c.2425C>T, p.Leu809Phe (NM_001384387.1); c.2407C>T, p.Leu803Phe (NM_001384388.1, NM_001384389.1); c.2371C>T, p.Leu791Phe (NM_001384390.1); c.2246C>T, p.Ala749Val (NM_001384391.1); and 5 more; short protein forms L515F, L709F, L766F, L777F, L809F, L816F, A607V, L692F.
Identifiers: ClinVar variation 2004860 (VCV002004860.4), dbSNP rs990108545, ClinGen allele CA306124765.

ClinVar aggregate classification (germline): Uncertain significance (1 of 4 stars; one submission).

Allele frequency attached by ClinVar (database versions not stated): gnomAD exomes below 0.00001.
gnomAD v4.1: 1 of 1,585,194 alleles (0.000063%); highest among the groups gnomAD compares: South Asian, 0.0011%; no homozygotes.

Submission:

Labcorp Genetics (formerly Invitae), Labcorp
Classification: Uncertain significance. Last evaluated: 2022-06-11. Review status: criteria provided, single submitter. Criteria: Invitae Variant Classification Sherloc (09022015). Collection method: clinical testing. Allele origin: germline.
Comment: In summary, the available evidence is currently insufficient to determine the role of this variant in disease. Therefore, it has been classified as a Variant of Uncertain Significance. Algorithms developed to predict the effect of missense changes on protein structure and function output the following: SIFT: "Tolerated"; PolyPhen-2: "Benign"; Align-GVGD: "Class C0". The phenylalanine amino acid residue is found in multiple mammalian species, which suggests that this missense change does not adversely affect protein function. This variant has not been reported in the literature in individuals affected with FCHO1-related conditions. This variant is present in population databases (no rsID available, gnomAD 0.003%). This sequence change replaces leucine, which is neutral and non-polar, with phenylalanine, which is neutral and non-polar, at codon 816 of the FCHO1 protein (p.Leu816Phe).